The following is an entry in ClinVar:

ClinVar aggregate classification (germline): Conflicting classifications of pathogenicity. Review status: criteria provided, conflicting classifications (1 of 4 stars). 2 submissions from 2 submitters: Uncertain significance (1); Likely benign (1). Last evaluated 2024-05-28.

Submissions (2):

Labcorp Genetics (formerly Invitae), Labcorp
Classification: Likely benign. Last evaluated: 2024-05-28. Review status: criteria provided, single submitter. Criteria: Invitae Variant Classification Sherloc (09022015). Collection method: clinical testing. Allele origin: germline.

Women's Health and Genetics/Laboratory Corporation of America, LabCorp
Classification: Uncertain significance. Last evaluated: 2023-06-21. Review status: criteria provided, single submitter. Criteria: LabCorp Variant Classification Summary - May 2015. Collection method: clinical testing. Allele origin: germline.
Comment: Variant summary: ANKRD26 c.875-19_896dup41 is located in a canonical splice-site and is predicted to affect mRNA splicing resulting in a significantly altered protein due to either exon skipping, shortening, or inclusion of intronic material. 4/4 computational tools predict no significant impact on normal splicing. However, these predictions have yet to be confirmed by functional studies. The variant allele was found at a frequency of 6.4e-05 in 249480 control chromosomes, predominantly at a frequency of 0.00043 within the Latino subpopulation in the gnomAD database. To our knowledge, no occurrence of c.875-19_896dup41 in individuals affected with Thrombocytopenia 2 and no experimental evidence demonstrating its impact on protein function have been reported. No submitters have provided clinical-significance assessments for this variant to ClinVar after 2014. Based on the evidence outlined above, the variant was classified as uncertain significance.

NM_014915.3(ANKRD26):c.875-19_896dup

Gene: ANKRD26 (ankyrin repeat domain 26; minus strand). Cytogenetic location: 10p12.1.
Variant type: Duplication.
Coding change: c.875-19_896dup on transcript NM_014915.3 (MANE Select); 19 bases into the intron before coding-DNA position 875 through coding-DNA position 896, 41 bases duplicated.
Molecular consequence: splice acceptor variant.
Genome position (GRCh38, 1-based): chr10:27,077,519-27,077,559, 41 bases duplicated; duplicating any 41 consecutive bases within chr10:27,077,519-27,077,560 gives the same sequence; the c. name uses the placement nearest the transcript's 3' end. GRCh37 (hg19): chr10:27,366,449-27,366,489.
Other names: c.875-19_896dup (NM_001256053.2).
Identifiers: ClinVar variation 2573573 (VCV002573573.3), dbSNP rs1169563301, ClinGen allele CA592780424.
Genomic context (GRCh38, chr10:27,077,518, plus strand): 5'-CACAACTTCATCTTGACTATCGGAATCTCTATCCTCAAACAAAGTTCTATTTCCTGTTCT[C>CACAGTGCCATATGTTGCTTCTACTACAGTAAAAACAAAATA]ACAGTGCCATATGTTGCTTCTACTACAGTAAAAACAAAATAAAGAGTAAATGAAAATATA-3'